The following is an entry in ClinVar:

NM_001966.4(EHHADH):c.1200C>T (p.Cys400=)

Gene: EHHADH (enoyl-CoA hydratase and 3-hydroxyacyl CoA dehydrogenase; minus strand). Cytogenetic location: 3q27.2.
Variant type: single nucleotide variant.
Coding change: c.1200C>T on transcript NM_001966.4 (MANE Select); coding-DNA position 1200, C replaced by T.
Protein change: p.Cys400=; no amino-acid change (cysteine 400 retained).
Molecular consequence: synonymous variant.
Genome position (GRCh38, 1-based): chr3:185,193,198, G>A on the plus strand (C>T on the coding strand, the complement: EHHADH is on the minus strand). VCF-style: chr3-185193198-G-A. GRCh37 (hg19) VCF-style: chr3-184910986-G-A.
Other names: c.912C>T, p.Cys304= (NM_001166415.2).
Identifiers: ClinVar variation 3047771 (VCV003047771.2), dbSNP rs1426180955, ClinGen allele CA437630335.

ClinVar aggregate classification (germline): Likely benign (0 of 4 stars; one submission).

Conditions:
EHHADH-related disorder. Also called: EHHADH-related condition.

Submission:

PreventionGenetics, part of Exact Sciences
Classification: Likely benign for EHHADH-related condition. Last evaluated: 2023-05-02. Review status: no assertion criteria provided. Collection method: clinical testing. Allele origin: germline.
Comment: This variant is classified as likely benign based on ACMG/AMP sequence variant interpretation guidelines (Richards et al. 2015 PMID: 25741868, with internal and published modifications).